The following is an entry in ClinVar:

ClinVar aggregate classification (germline): Uncertain significance (1 of 4 stars; one submission).

Conditions:
Cardiovascular phenotype. Identifiers: MedGen CN230736.

Submission:

Ambry Genetics
Classification: Uncertain significance for Cardiovascular phenotype. Last evaluated: 2025-02-22. Review status: criteria provided, single submitter. Criteria: Ambry Variant Classification Scheme 2023. Collection method: clinical testing. Allele origin: germline.
Comment: The p.N595H variant (also known as c.1783A>C), located in coding exon 13 of the LAMA4 gene, results from an A to C substitution at nucleotide position 1783. The asparagine at codon 595 is replaced by histidine, an amino acid with similar properties. This amino acid position is conserved. In addition, this alteration is predicted to be tolerated by in silico analysis. Based on the available evidence, the clinical significance of this variant remains unclear.

NM_001105206.3(LAMA4):c.1804A>C (p.Asn602His)

Gene: LAMA4 (laminin subunit alpha 4; minus strand). Cytogenetic location: 6q21.
Variant type: single nucleotide variant.
Coding change: c.1804A>C on transcript NM_001105206.3 (MANE Select); coding-DNA position 1804, A replaced by C.
Protein change: p.Asn602His; replaces asparagine 602 with histidine.
Molecular consequence: missense variant.
Genome position (GRCh38, 1-based): chr6:112,158,745, T>G on the plus strand (A>C on the coding strand, the complement: LAMA4 is on the minus strand). VCF-style: chr6-112158745-T-G. GRCh37 (hg19) VCF-style: chr6-112479947-T-G.
Other names: c.1783A>C, p.Asn595His (NM_001105207.3, NM_002290.5); short protein forms N602H, N595H.
Identifiers: ClinVar variation 3866218 (VCV003866218.1).